The following is an entry in ClinVar:

ClinVar aggregate classification (germline): Uncertain significance. Review status: criteria provided, multiple submitters, no conflicts (2 of 4 stars). 3 submissions from 3 submitters: Uncertain significance (3). Last evaluated 2026-05-18.

Conditions:
Hereditary cancer-predisposing syndrome. Also called: Tumor predisposition; Neoplastic Syndromes, Hereditary; Hereditary Cancer Syndrome; Hereditary neoplastic syndrome. Identifiers: Orphanet 140162, MedGen C0027672, MeSH D009386, MONDO:0015356.
Renal cell carcinoma. Identifiers: Orphanet 217071, MedGen C0007134, MeSH D002292, MONDO:0005086, HP:0005584.

Allele frequency attached by ClinVar (database versions not stated): gnomAD exomes below 0.00001; gnomAD 0.00001; TOPMed below 0.00001.
gnomAD v4.1: 2 of 1,614,000 alleles (0.00012%); highest among the groups gnomAD compares: South Asian, 0.0011%; no homozygotes.

Submissions (3):

Ambry Genetics
Classification: Uncertain significance for Hereditary cancer-predisposing syndrome. Last evaluated: 2026-05-18. Review status: criteria provided, single submitter. Criteria: Ambry Variant Classification Scheme 2023. Collection method: clinical testing. Allele origin: germline.
Comment: The p.S1050F variant (also known as c.3149C>T), located in coding exon 14 of the MET gene, results from a C to T substitution at nucleotide position 3149. The serine at codon 1050 is replaced by phenylalanine, an amino acid with highly dissimilar properties. This amino acid position is highly conserved in available vertebrate species. In addition, this alteration is predicted to be deleterious by in silico analysis. Based on the available evidence, the clinical significance of this variant remains unclear.

Labcorp Genetics (formerly Invitae), Labcorp
Classification: Uncertain significance for Renal cell carcinoma. Last evaluated: 2024-02-17. Review status: criteria provided, single submitter. Criteria: Invitae Variant Classification Sherloc (09022015). Collection method: clinical testing. Allele origin: germline.
Comment: This sequence change replaces serine, which is neutral and polar, with phenylalanine, which is neutral and non-polar, at codon 1050 of the MET protein (p.Ser1050Phe). This variant is not present in population databases (gnomAD no frequency). This variant has not been reported in the literature in individuals affected with MET-related conditions. ClinVar contains an entry for this variant (Variation ID: 1486338). An algorithm developed to predict the effect of missense changes on protein structure and function (PolyPhen-2) suggests that this variant is likely to be disruptive. In summary, the available evidence is currently insufficient to determine the role of this variant in disease. Therefore, it has been classified as a Variant of Uncertain Significance.

GeneDx
Classification: Uncertain significance. Last evaluated: 2023-06-28. Review status: criteria provided, single submitter. Criteria: GeneDx Variant Classification Process June 2021. Collection method: clinical testing. Allele origin: germline. Affected: yes.
Comment: Not observed at significant frequency in large population cohorts (gnomAD); In silico analysis supports that this missense variant has a deleterious effect on protein structure/function; Has not been previously published as pathogenic or benign to our knowledge

NM_000245.4(MET):c.3095C>T (p.Ser1032Phe)

Gene: MET (MET proto-oncogene, receptor tyrosine kinase; plus strand). Cytogenetic location: 7q31.2.
Variant type: single nucleotide variant.
Coding change: c.3095C>T on transcript NM_000245.4 (MANE Select); coding-DNA position 3095, C replaced by T.
Protein change: p.Ser1032Phe; replaces serine 1032 with phenylalanine.
Molecular consequence: missense variant.
Genome position (GRCh38, 1-based): chr7:116,774,947, C>T. VCF-style: chr7-116774947-C-T. GRCh37 (hg19) VCF-style: chr7-116415001-C-T.
Other names: c.3149C>T, p.Ser1050Phe (NM_001127500.3); c.1805C>T, p.Ser602Phe (NM_001324402.2); c.3149C>T (NM_001127500.1); short protein forms S1032F, S1050F, S602F.
Identifiers: ClinVar variation 1486338 (VCV001486338.8), dbSNP rs1201989602, ClinGen allele CA368988078.